The following is an entry in ClinVar:

NM_001032382.2(PQBP1):c.190T>C (p.Tyr64His)

Gene: PQBP1 (polyglutamine binding protein 1; plus strand). Cytogenetic location: Xp11.23.
Variant type: single nucleotide variant.
Coding change: c.190T>C on transcript NM_001032382.2 (MANE Select); coding-DNA position 190, T replaced by C.
Protein change: p.Tyr64His; replaces tyrosine 64 with histidine.
Molecular consequence: missense variant.
Genome position (GRCh38, 1-based): chrX:48,901,940, T>C. VCF-style: chrX-48901940-T-C. GRCh37 (hg19) VCF-style: chrX-48759217-T-C.
Other names: c.190T>C, p.Tyr64His (NM_001032381.2, NM_001032383.2, NM_001032384.1 and 5 more transcripts); c.166T>C, p.Tyr56His (NM_001167990.2); short protein forms Y56H, Y64H.
Identifiers: ClinVar variation 4281795 (VCV004281795.1).
Genomic context (GRCh38, chrX:48,901,940, plus strand): 5'-ATCCAAGGCAAGGACATCTGTGCTGACACTTCTTTCCTGCGGCCCCACAGCGGGCTCCCT[T>C]ACTACTGGAATGCAGACACAGACCTTGTATCCTGGCTCTCCCCACATGACCCCAACTCCG-3'
Protein context (NP_001027554.1, residues 54-74): KVFDPSCGLP[Tyr64His]YWNADTDLVS

ClinVar aggregate classification (germline): Uncertain significance (1 of 4 stars; one submission).

Submission:

GeneDx
Classification: Uncertain significance. Last evaluated: 2025-04-11. Review status: criteria provided, single submitter. Criteria: GeneDx Variant Classification Process June 2021. Collection method: clinical testing. Allele origin: germline. Affected: yes.
Comment: Not observed at significant frequency in large population cohorts (gnomAD); In silico analysis supports that this missense variant has a deleterious effect on protein structure/function; Has not been previously published as pathogenic or benign to our knowledge